The following is an entry in ClinVar:

ClinVar aggregate classification (germline): Conflicting classifications of pathogenicity. Review status: criteria provided, conflicting classifications (1 of 4 stars). 2 submissions from 2 submitters: Likely pathogenic (1); Likely benign (1). Last evaluated 2022-11-17.

Conditions:
Joubert syndrome 30. Identifiers: MedGen C4539937, MONDO:0033308, OMIM 617622.

Allele frequency attached by ClinVar (database versions not stated): ExAC 0.00013; gnomAD exomes below 0.00001; gnomAD 0.00001.
gnomAD v4.1: 3 of 1,525,568 alleles (0.0002%); highest among the groups gnomAD compares: African/African-American, 0.0014%; no homozygotes.

Submissions (2):

Center for Human Genetics and Genomic Medicine, Uniklinik Rwth Aachen
Classification: Likely benign for Joubert syndrome 30. Last evaluated: 2022-11-17. Review status: criteria provided, single submitter. Criteria: ACMG Guidelines, 2015. Collection method: clinical testing. Allele origin: biparental. Inheritance: Autosomal recessive inheritance. Affected: no. Observed: 1 homozygote.

Labcorp Genetics (formerly Invitae), Labcorp
Classification: Likely pathogenic. Last evaluated: 2022-03-18. Review status: criteria provided, single submitter. Criteria: Invitae Variant Classification Sherloc (09022015). Collection method: clinical testing. Allele origin: germline.
Comment: This sequence change affects a donor splice site in intron 22 of the ARMC9 gene. It is expected to disrupt RNA splicing. Variants that disrupt the donor or acceptor splice site typically lead to a loss of protein function (PMID: 16199547), and loss-of-function variants in ARMC9 are known to be pathogenic (PMID: 28625504). This variant is present in population databases (rs752980410, gnomAD 0.005%). This variant has not been reported in the literature in individuals affected with ARMC9-related conditions. Algorithms developed to predict the effect of sequence changes on RNA splicing suggest that this variant may disrupt the consensus splice site. In summary, the currently available evidence indicates that the variant is pathogenic, but additional data are needed to prove that conclusively. Therefore, this variant has been classified as Likely Pathogenic.

Literature cited by the submitters: PubMed 16199547 (cited by Labcorp Genetics (formerly Invitae), Labcorp); PubMed 28625504 (cited by Labcorp Genetics (formerly Invitae), Labcorp).

NM_001352754.2(ARMC9):c.2261+1G>A

Genes: ARMC9 (armadillo repeat containing 9; plus strand), LOC122861306 (Sharpr-MPRA regulatory region 9410; plus strand). Cytogenetic location: 2q37.1.
Variant type: single nucleotide variant.
Coding change: c.2261+1G>A on transcript NM_001352754.2 (MANE Select); the canonical splice donor site of the intron after coding-DNA position 2261, G replaced by A.
Molecular consequence: splice donor variant.
Genome position (GRCh38, 1-based): chr2:231,360,884, G>A. VCF-style: chr2-231360884-G-A. GRCh37 (hg19) VCF-style: chr2-232225595-G-A.
Other names: c.2261+1G>A (NM_001271466.4).
Identifiers: ClinVar variation 1727003 (VCV001727003.7), dbSNP rs752980410, ClinGen allele CA2160591.